The following is an entry in ClinVar:

ClinVar aggregate classification (germline): Uncertain significance (1 of 4 stars; one submission).

Conditions:
Pyruvate dehydrogenase E2 deficiency (PDHDD). Also called: Dihydrolipoamide Acetyltransferase (E2) Deficiency; LACTIC ACIDEMIA DUE TO DEFECT OF E2 LIPOYL TRANSACETYLASE OF THE PYRUVATE DEHYDROGENASE COMPLEX. Identifiers: Orphanet 765, Orphanet 79244, MedGen C1855565, MONDO:0009502, OMIM 245348.

Allele frequency attached by ClinVar (database versions not stated): ExAC 0.00001; gnomAD 0.00001.
gnomAD v4.1: 1 of 1,613,836 alleles (0.000062%); highest among the groups gnomAD compares: Non-Finnish European, 0.000085%; no homozygotes.

Submission:

Labcorp Genetics (formerly Invitae), Labcorp
Classification: Uncertain significance for Pyruvate dehydrogenase E2 deficiency. Last evaluated: 2019-03-14. Review status: criteria provided, single submitter. Criteria: Invitae Variant Classification Sherloc (09022015). Collection method: clinical testing. Allele origin: germline.
Comment: This sequence change replaces alanine with valine at codon 328 of the DLAT protein (p.Ala328Val). The alanine residue is moderately conserved and there is a small physicochemical difference between alanine and valine. This variant is present in population databases (rs781861956, ExAC 0.001%). This variant has not been reported in the literature in individuals with DLAT-related conditions. Algorithms developed to predict the effect of missense changes on protein structure and function (SIFT, PolyPhen-2, Align-GVGD) all suggest that this variant is likely to be tolerated, but these predictions have not been confirmed by published functional studies and their clinical significance is uncertain. In summary, the available evidence is currently insufficient to determine the role of this variant in disease. Therefore, it has been classified as a Variant of Uncertain Significance.

NM_001931.5(DLAT):c.983C>T (p.Ala328Val)

Gene: DLAT (dihydrolipoamide S-acetyltransferase; plus strand). Cytogenetic location: 11q23.1.
Variant type: single nucleotide variant.
Coding change: c.983C>T on transcript NM_001931.5 (MANE Select); coding-DNA position 983, C replaced by T.
Protein change: p.Ala328Val; replaces alanine 328 with valine.
Molecular consequence: missense variant. On other transcripts: non-coding transcript variant (1).
Genome position (GRCh38, 1-based): chr11:112,039,251, C>T. VCF-style: chr11-112039251-C-T. GRCh37 (hg19) VCF-style: chr11-111909975-C-T.
Other names: c.983C>T, p.Ala328Val (NM_001372031.1, NM_001372032.1, NM_001372033.1 and 1 more transcripts); c.950C>T, p.Ala317Val (NM_001372034.1); c.857C>T, p.Ala286Val (NM_001372036.1); c.815C>T, p.Ala272Val (NM_001372037.1); c.704C>T, p.Ala235Val (NM_001372038.1); c.668C>T, p.Ala223Val (NM_001372039.1, NM_001372041.1); c.602C>T, p.Ala201Val (NM_001372040.1); c.521C>T, p.Ala174Val (NM_001372042.1); short protein forms A174V, A235V, A286V, A328V, A272V, A201V, A223V, A317V.
Identifiers: ClinVar variation 856329 (VCV000856329.1), dbSNP rs781861956, ClinGen allele CA6276800.
Genomic context (GRCh38, chr11:112,039,251, plus strand): 5'-AGACCAGTCTTTGAAGTGGTGAATTAAAACAATTTGTAATTTTTTTTCAAAAGGTGGCCG[C>T]TGTTCCTCCAACTCCCCAGCCTTTAGCTCCTACACCTTCAGCACCCTGCCCAGCTACTCC-3'
Protein context (NP_001922.2, residues 318-338): VPPPTPPPVA[Ala328Val]VPPTPQPLAP